The following is an entry in ClinVar:

ClinVar aggregate classification (germline): Uncertain significance. Review status: criteria provided, multiple submitters, no conflicts (2 of 4 stars). 2 submissions from 2 submitters: Uncertain significance (2). Last evaluated 2024-05-26.

Allele frequency attached by ClinVar (database versions not stated): gnomAD 0.00001; TOPMed 0.00001; ExAC 0.00006; gnomAD exomes 0.00008; 1000 Genomes Project 30x 0.00016; 1000 Genomes Project 0.00020.
gnomAD v4.1: 118 of 1,613,348 alleles (0.0073%); highest among the groups gnomAD compares: East Asian, 0.26%; no homozygotes.

Submissions (2):

Ambry Genetics
Classification: Uncertain significance. Last evaluated: 2024-05-26. Review status: criteria provided, single submitter. Criteria: Ambry Variant Classification Scheme 2023. Collection method: clinical testing. Allele origin: germline.

Labcorp Genetics (formerly Invitae), Labcorp
Classification: Uncertain significance. Last evaluated: 2023-01-16. Review status: criteria provided, single submitter. Criteria: Invitae Variant Classification Sherloc (09022015). Collection method: clinical testing. Allele origin: germline.
Comment: Algorithms developed to predict the effect of missense changes on protein structure and function output the following: SIFT: "Deleterious"; PolyPhen-2: "Benign"; Align-GVGD: "Class C25". The valine amino acid residue is found in multiple mammalian species, which suggests that this missense change does not adversely affect protein function. In summary, the available evidence is currently insufficient to determine the role of this variant in disease. Therefore, it has been classified as a Variant of Uncertain Significance. This variant has not been reported in the literature in individuals affected with IL12RB2-related conditions. This variant is present in population databases (rs200520603, gnomAD 0.05%). This sequence change replaces isoleucine, which is neutral and non-polar, with valine, which is neutral and non-polar, at codon 411 of the IL12RB2 protein (p.Ile411Val).

NM_001374259.2(IL12RB2):c.1231A>G (p.Ile411Val)

Gene: IL12RB2 (interleukin 12 receptor subunit beta 2; plus strand). Cytogenetic location: 1p31.3.
Variant type: single nucleotide variant.
Coding change: c.1231A>G on transcript NM_001374259.2 (MANE Select); coding-DNA position 1231, A replaced by G.
Protein change: p.Ile411Val; replaces isoleucine 411 with valine.
Molecular consequence: missense variant. On other transcripts: non-coding transcript variant (2).
Genome position (GRCh38, 1-based): chr1:67,351,062, A>G. VCF-style: chr1-67351062-A-G. GRCh37 (hg19) VCF-style: chr1-67816745-A-G.
Other names: c.1231A>G (NM_001559.2); c.1231A>G, p.Ile411Val (NM_001258214.1, NM_001258215.1, NM_001258216.1 and 2 more transcripts); short protein forms I411V.
Identifiers: ClinVar variation 2973415 (VCV002973415.4), dbSNP rs200520603, ClinGen allele CA900433.